The following is an entry in ClinVar:

ClinVar aggregate classification (germline): Uncertain significance (1 of 4 stars; one submission).

Conditions:
Cardiovascular phenotype. Identifiers: MedGen CN230736.
Hereditary cancer-predisposing syndrome. Also called: Tumor predisposition; Neoplastic Syndromes, Hereditary; Hereditary Cancer Syndrome; Hereditary neoplastic syndrome. Identifiers: Orphanet 140162, MedGen C0027672, MeSH D009386, MONDO:0015356.

Submission:

Ambry Genetics
Classification: Uncertain significance for Cardiovascular phenotype; Hereditary cancer-predisposing syndrome. Last evaluated: 2022-03-11. Review status: criteria provided, single submitter. Criteria: Ambry Variant Classification Scheme 2023. Collection method: clinical testing. Allele origin: germline.
Comment: The p.L1079I variant (also known as c.3235C>A), located in coding exon 25 of the NF1 gene, results from a C to A substitution at nucleotide position 3235. The leucine at codon 1079 is replaced by isoleucine, an amino acid with highly similar properties. This amino acid position is conserved. In addition, the in silico prediction for this alteration is inconclusive. Since supporting evidence is limited at this time, the clinical significance of this alteration remains unclear.

NM_001042492.3(NF1):c.3235C>A (p.Leu1079Ile)

Gene: NF1 (neurofibromin 1; plus strand). Cytogenetic location: 17q11.2.
Variant type: single nucleotide variant.
Coding change: c.3235C>A on transcript NM_001042492.3 (MANE Select); coding-DNA position 3235, C replaced by A.
Protein change: p.Leu1079Ile; replaces leucine 1079 with isoleucine.
Molecular consequence: missense variant.
Genome position (GRCh38, 1-based): chr17:31,232,110, C>A. VCF-style: chr17-31232110-C-A. GRCh37 (hg19) VCF-style: chr17-29559128-C-A.
Other names: c.3235C>A, p.Leu1079Ile (NM_000267.4); short protein forms L1079I.
Identifiers: ClinVar variation 1729233 (VCV001729233.2), dbSNP rs1180864399, ClinGen allele CA398988745.